The following is an entry in ClinVar:

NM_170707.4(LMNA):c.357-4560C>T

Gene: LMNA (lamin A/C; plus strand). Cytogenetic location: 1q22.
Variant type: single nucleotide variant.
Coding change: c.357-4560C>T on transcript NM_170707.4 (MANE Select); 4560 bases into the intron before coding-DNA position 357, C replaced by T.
Molecular consequence: intron variant.
Genome position (GRCh38, 1-based): chr1:156,126,057, C>T. VCF-style: chr1-156126057-C-T. GRCh37 (hg19) VCF-style: chr1-156095848-C-T.
Other names: c.357-4560C>T (NM_001282625.2, NM_001282626.2, NM_170708.4 and 1 more transcripts).
Identifiers: ClinVar variation 672752 (VCV000672752.2), dbSNP rs2475758, ClinGen allele CA10885324.

ClinVar aggregate classification (germline): Benign. Review status: criteria provided, multiple submitters, no conflicts (2 of 4 stars). 2 submissions from 2 submitters: Benign (2). Last evaluated 2018-06-14.

Allele frequency attached by ClinVar (database versions not stated): gnomAD exomes 0.05077; gnomAD 0.10476 and 0.10831; 1000 Genomes Project 0.11242; TOPMed 0.11330; 1000 Genomes Project 30x 0.11743.
gnomAD v4.1: 33,594 of 495,036 alleles (6.8%); highest among the groups gnomAD compares: African/African-American, 25%; 2,291 homozygotes.

Submissions (2):

GeneDx
Classification: Benign. Last evaluated: 2018-06-14. Review status: criteria provided, single submitter. Criteria: GeneDx Variant Classification (06012015). Collection method: clinical testing. Allele origin: germline. Affected: yes.
Comment: This variant is considered likely benign or benign based on one or more of the following criteria: it is a conservative change, it occurs at a poorly conserved position in the protein, it is predicted to be benign by multiple in silico algorithms, and/or has population frequency not consistent with disease.

Breakthrough Genomics
Classification: Benign. Review status: criteria provided, single submitter. Criteria: ACMG Guidelines, 2015. Collection method: not provided. Allele origin: germline. Inheritance: Autosomal recessive inheritance. Affected: yes.